The following is an entry in ClinVar:

ClinVar aggregate classification (germline): Uncertain significance (1 of 4 stars; one submission).

Conditions:
Muscular dystrophy-dystroglycanopathy (congenital with brain and eye anomalies), type A13. Also called: WALKER-WARBURG SYNDROME OR MUSCLE-EYE-BRAIN DISEASE, B3GNT1-RELATED; Muscular dystrophy-dystroglycanopathy (congenital with brain and eye anomalies), type a, 13. Identifiers: Orphanet 899, MedGen C3809042, MONDO:0014120, OMIM 615287.

Allele frequency attached by ClinVar (database versions not stated): TOPMed below 0.00001; gnomAD 0.00001.

Submission:

Labcorp Genetics (formerly Invitae), Labcorp
Classification: Uncertain significance for Muscular dystrophy-dystroglycanopathy (congenital with brain and eye anomalies), type A13. Last evaluated: 2022-06-19. Review status: criteria provided, single submitter. Criteria: Invitae Variant Classification Sherloc (09022015). Collection method: clinical testing. Allele origin: germline.
Comment: This sequence change replaces tyrosine, which is neutral and polar, with aspartic acid, which is acidic and polar, at codon 29 of the B4GAT1 protein (p.Tyr29Asp). This variant is not present in population databases (gnomAD no frequency). This variant has not been reported in the literature in individuals affected with B4GAT1-related conditions. In summary, the available evidence is currently insufficient to determine the role of this variant in disease. Therefore, it has been classified as a Variant of Uncertain Significance. Algorithms developed to predict the effect of missense changes on protein structure and function are either unavailable or do not agree on the potential impact of this missense change (SIFT: "Tolerated"; PolyPhen-2: "Possibly Damaging"; Align-GVGD: "Class C0").

NM_006876.3(B4GAT1):c.85T>G (p.Tyr29Asp)

Gene: B4GAT1 (beta-1,4-glucuronyltransferase 1; minus strand). Cytogenetic location: 11q13.2.
Variant type: single nucleotide variant.
Coding change: c.85T>G on transcript NM_006876.3 (MANE Select); coding-DNA position 85, T replaced by G.
Protein change: p.Tyr29Asp; replaces tyrosine 29 with aspartic acid.
Molecular consequence: missense variant.
Genome position (GRCh38, 1-based): chr11:66,347,461, A>C on the plus strand (T>G on the coding strand, the complement: B4GAT1 is on the minus strand). VCF-style: chr11-66347461-A-C. GRCh37 (hg19) VCF-style: chr11-66114932-A-C.
Other names: short protein forms Y29D.
Identifiers: ClinVar variation 2144335 (VCV002144335.4), dbSNP rs1478860566, ClinGen allele CA381419127.
Genomic context (GRCh38, chr11:66,347,461, plus strand): 5'-AGAACTCAAAATATTGGTCTTGCTCCTCCTGCCCGTGCAGTCCGGACAGCAGCGACAGGT[A>C]GAGCAGCTGCAGCATCGCCACCAGCATGAGCGCGGCCAGCAGCAGCTGGTAGAAGGCGCA-3'
Protein context (NP_006867.1, residues 19-39): LMLVAMLQLL[Tyr29Asp]LSLLSGLHGQ